The following is an entry in ClinVar:

NM_006941.4(SOX10):c.448A>G (p.Lys150Glu)

Genes: POLR2F (RNA polymerase II, I and III subunit F; plus strand), SOX10 (SRY-box transcription factor 10; minus strand). Cytogenetic location: 22q13.1.
Variant type: single nucleotide variant.
Coding change: c.448A>G on transcript NM_006941.4 (MANE Select); coding-DNA position 448, A replaced by G.
Protein change: p.Lys150Glu; replaces lysine 150 with glutamic acid.
Molecular consequence: missense variant. On other transcripts: intron variant (3).
Genome position (GRCh38, 1-based): chr22:37,978,116, T>C on the plus strand (A>G on the coding strand, the complement: SOX10 is on the minus strand). VCF-style: chr22-37978116-T-C. GRCh37 (hg19) VCF-style: chr22-38374123-T-C.
Other names: c.*38+5806T>C (NM_001363825.1); c.294-8038T>C (NM_001301130.2); c.293+10946T>C (NM_001301131.2); short protein forms K150E.
Identifiers: ClinVar variation 1202633 (VCV001202633.3), dbSNP rs1932280017, ClinGen allele CA411498132.

ClinVar aggregate classification (germline): Pathogenic (1 of 4 stars; one submission).

Conditions:
Waardenburg syndrome type 4C (WS4C). Also called: WAARDENBURG SYNDROME WITH HIRSCHSPRUNG DISEASE, TYPE 4C. Identifiers: Orphanet 897, MedGen C2750452, MONDO:0013202, OMIM 613266.

Submission:

Laboratory of Molecular, Cellular and Translation Genetics in Otolaryngology/ Lim32-hcfmusp, University of Sao Paulo School of Medicine Clinics Hospital
Classification: Pathogenic for Waardenburg syndrome type 4C. Review status: criteria provided, single submitter. Criteria: ClinGen HL ACMG Specifications v1. Collection method: research. Allele origin: germline. Inheritance: Autosomal dominant inheritance. Affected: yes. Observed: 1 variant allele, 1 heterozygote. Segregation with disease observed.

Literature cited by the submitters: PubMed 34599368.